The following is an entry in ClinVar:

ClinVar aggregate classification (germline): Pathogenic (1 of 4 stars; one submission).

Submission:

GeneDx
Classification: Pathogenic. Last evaluated: 2017-11-22. Review status: criteria provided, single submitter. Criteria: GeneDx Variant Classification (06012015). Collection method: clinical testing. Allele origin: germline. Affected: yes.
Comment: The c.503_524del22 variant in the STAMBP gene has not been reported previously as a pathogenic variant nor as a benign variant, to our knowledge. The c.503_524del22 variant causes a frameshift starting with codon Methionine 168, changes this amino acid to a Lysine residue, and creates a premature Stop codon at position 5 of the new reading frame, denoted p.Met168LysfsX5. This variant is predicted to cause loss of normal protein function either through protein truncation or nonsense-mediated mRNA decay. The c.503_524del22 variant is not observed in large population cohorts (Lek et al., 2016). We interpret c.503_524del22 as a pathogenic variant.

NM_213622.4(STAMBP):c.503_524del (p.Met168fs)

Gene: STAMBP (STAM binding protein; plus strand). Cytogenetic location: 2p13.1.
Variant type: Deletion.
Coding change: c.503_524del on transcript NM_213622.4 (MANE Select); coding-DNA positions 503 to 524, 22 bases deleted (TGATCCGGAACCAGGAGCTAGA).
Protein change: p.Met168fs; shifts the reading frame from methionine 168.
Molecular consequence: frameshift variant. On other transcripts: non-coding transcript variant (4).
Genome position (GRCh38, 1-based): chr2:73,847,514-73,847,535, TGATCCGGAACCAGGAGCTAGA deleted; deleting any 22 consecutive bases within chr2:73,847,511-73,847,535 gives the same sequence; the c. name uses the placement nearest the transcript's 3' end. VCF-style (leftmost placement, unchanged base first): chr2-73847510-GAGATGATCCGGAACCAGGAGCT-G. GRCh37 (hg19) VCF-style: chr2-74074637-GAGATGATCCGGAACCAGGAGCT-G.
Other names: c.503_524del, p.Met168fs (NM_001353967.2, NM_001353968.2, NM_001353969.2 and 3 more transcripts); c.98_119del, p.Met33fs (NM_001353971.2, NM_001353972.2, NM_001353973.2 and 3 more transcripts); short protein forms M168fs, M33fs.
Identifiers: ClinVar variation 503843 (VCV000503843.2), dbSNP rs1553381934, ClinGen allele CA658795822.